The following is an entry in ClinVar:

NM_001382347.1(MYO5A):c.5093C>T (p.Ser1698Leu)

Gene: MYO5A (myosin VA; minus strand). Cytogenetic location: 15q21.2.
Variant type: single nucleotide variant.
Coding change: c.5093C>T on transcript NM_001382347.1 (MANE Select); coding-DNA position 5093, C replaced by T.
Protein change: p.Ser1698Leu; replaces serine 1698 with leucine.
Molecular consequence: missense variant.
Genome position (GRCh38, 1-based): chr15:52,319,201, G>A on the plus strand (C>T on the coding strand, the complement: MYO5A is on the minus strand). VCF-style: chr15-52319201-G-A. GRCh37 (hg19) VCF-style: chr15-52611398-G-A.
Other names: c.5018C>T, p.Ser1673Leu (NM_000259.3); c.4937C>T, p.Ser1646Leu (NM_001142495.2); c.5165C>T, p.Ser1722Leu (NM_001382348.1); c.5090C>T, p.Ser1697Leu (NM_001382349.1); short protein forms S1673L, S1646L, S1697L, S1698L, S1722L.
Identifiers: ClinVar variation 770432 (VCV000770432.16), dbSNP rs9282796, ClinGen allele CA7567951.

ClinVar aggregate classification (germline): Conflicting classifications of pathogenicity. Review status: criteria provided, conflicting classifications (1 of 4 stars). 4 submissions from 4 submitters: Uncertain significance (1); Likely benign (2). 1 of the submissions does not count toward it. Last evaluated 2025-12-26.

Conditions:
MYO5A-related disorder. Also called: MYO5A-related condition.
Inborn genetic diseases. Identifiers: MedGen C0950123, MeSH D030342.

Allele frequency attached by ClinVar (database versions not stated): gnomAD exomes 0.00043 and 0.00042; ExAC 0.00055; TOPMed 0.00148; gnomAD 0.00141; 1000 Genomes Project 30x 0.00312; ESP Exome Variant Server 0.00155; 1000 Genomes Project 0.00359.
gnomAD v4.1: 826 of 1,614,196 alleles (0.051%); highest among the groups gnomAD compares: African/African-American, 0.46%; 3 homozygotes.

Submissions (4):

Labcorp Genetics (formerly Invitae), Labcorp
Classification: Likely benign. Last evaluated: 2025-12-26. Review status: criteria provided, single submitter. Criteria: Invitae Variant Classification Sherloc (09022015). Collection method: clinical testing. Allele origin: germline.

Ambry Genetics
Classification: Likely benign for Inborn genetic diseases. Last evaluated: 2025-11-19. Review status: criteria provided, single submitter. Criteria: Ambry Variant Classification Scheme 2023. Collection method: clinical testing. Allele origin: germline.

GeneDx
Classification: Uncertain significance. Last evaluated: 2021-02-10. Review status: criteria provided, single submitter. Criteria: GeneDx Variant Classification Process June 2021. Collection method: clinical testing. Allele origin: germline. Affected: yes.
Comment: Has not been previously published as pathogenic or benign to our knowledge; In silico analysis, which includes protein predictors and evolutionary conservation, supports a deleterious effect

PreventionGenetics, part of Exact Sciences
Classification: Likely benign for MYO5A-related condition. Last evaluated: 2019-08-06. Review status: no assertion criteria provided. Collection method: clinical testing. Allele origin: germline. Not counted in ClinVar's aggregate classification.
Comment: This variant is classified as likely benign based on ACMG/AMP sequence variant interpretation guidelines (Richards et al. 2015 PMID: 25741868, with internal and published modifications).